The following is an entry in ClinVar:

NM_002471.4(MYH6):c.1308G>A (p.Met436Ile)

Gene: MYH6 (myosin heavy chain 6; minus strand). Cytogenetic location: 14q11.2.
Variant type: single nucleotide variant.
Coding change: c.1308G>A on transcript NM_002471.4 (MANE Select); coding-DNA position 1308, G replaced by A.
Protein change: p.Met436Ile; replaces methionine 436 with isoleucine.
Molecular consequence: missense variant.
Genome position (GRCh38, 1-based): chr14:23,400,811, C>T on the plus strand (G>A on the coding strand, the complement: MYH6 is on the minus strand). VCF-style: chr14-23400811-C-T. GRCh37 (hg19) VCF-style: chr14-23870020-C-T.
Other names: short protein forms M436I.
Identifiers: ClinVar variation 1677844 (VCV001677844.4), dbSNP rs1891577130, ClinGen allele CA389023800.

ClinVar aggregate classification (germline): Uncertain significance. Review status: criteria provided, multiple submitters, no conflicts (2 of 4 stars). 2 submissions from 2 submitters: Uncertain significance (2). Last evaluated 2024-09-05.

Conditions:
Cardiovascular phenotype. Identifiers: MedGen CN230736.

Submissions (2):

Ambry Genetics
Classification: Uncertain significance for Cardiovascular phenotype. Last evaluated: 2024-09-05. Review status: criteria provided, single submitter. Criteria: Ambry Variant Classification Scheme 2023. Collection method: clinical testing. Allele origin: germline.
Comment: The p.M436I variant (also known as c.1308G>A), located in coding exon 11 of the MYH6 gene, results from a G to A substitution at nucleotide position 1308. The methionine at codon 436 is replaced by isoleucine, an amino acid with highly similar properties. This amino acid position is highly conserved in available vertebrate species. In addition, this alteration is predicted to be deleterious by in silico analysis. Since supporting evidence is limited at this time, the clinical significance of this alteration remains unclear.

AiLife Diagnostics
Classification: Uncertain significance. Last evaluated: 2022-01-25. Review status: criteria provided, single submitter. Criteria: ACMG Guidelines, 2015. Collection method: clinical testing. Allele origin: germline. Affected: yes. Observed: 1 variant allele.

Literature cited by the submitters: PubMed 27789736 (cited by Ambry Genetics).